The following is an entry in ClinVar:

NM_015346.4(ZFYVE26):c.2070del (p.Arg690fs)

Gene: ZFYVE26 (zinc finger FYVE-type containing 26; minus strand). Cytogenetic location: 14q24.1.
Variant type: Deletion.
Coding change: c.2070del on transcript NM_015346.4 (MANE Select); coding-DNA position 2070, one base deleted (G; older notation c.2070delG).
Protein change: p.Arg690fs; shifts the reading frame from arginine 690.
Molecular consequence: frameshift variant.
Genome position (GRCh38, 1-based): chr14:67,798,192, C deleted on the plus strand (G on the coding strand, the reverse complement: ZFYVE26 is on the minus strand); the first of 2 consecutive C bases (chr14:67,798,192-67,798,193); deleting either gives the same sequence. VCF-style (leftmost placement, unchanged base first): chr14-67798191-GC-G. GRCh37 (hg19) VCF-style: chr14-68264908-GC-G.
Other names: short protein forms R690fs.
Identifiers: ClinVar variation 5014400 (VCV005014400.1).

ClinVar aggregate classification (germline): Pathogenic (1 of 4 stars; one submission).

Conditions:
Hereditary spastic paraplegia 15 (SPG15). Also called: SPASTIC PARAPLEGIA 15, AUTOSOMAL RECESSIVE; KJELLIN SYNDROME; SPASTIC PARAPLEGIA AND RETINAL DEGENERATION. Identifiers: Orphanet 100996, MedGen C1849128, MONDO:0010044, OMIM 270700.

Submission:

Myriad Genetics, Inc.
Classification: Pathogenic for Hereditary spastic paraplegia 15. Last evaluated: 2025-05-07. Review status: criteria provided, single submitter. Criteria: Myriad Autosomal Dominant, Autosomal Recessive and X-Linked Classification Criteria (2023). Collection method: clinical testing. Allele origin: unknown.
Comment: NM_015346.3(ZFYVE26):c.2070delG(R690Sfs*54) is expected to be pathogenic in the context of spastic paraplegia type 15. This variant is predicted to lead to an abnormal or absent protein product due to the creation of a premature termination codon in ZFYVE26, a gene where loss-of-function variants are known to be pathogenic. Please note: this variant was assessed in the context of healthy population screening.